The following is an entry in ClinVar:

ClinVar aggregate classification (germline): Uncertain significance. Review status: criteria provided, multiple submitters, no conflicts (2 of 4 stars). 2 submissions from 2 submitters: Uncertain significance (2). Last evaluated 2025-11-03.

Conditions:
Inborn genetic diseases. Identifiers: MedGen C0950123, MeSH D030342.

Allele frequency attached by ClinVar (database versions not stated): gnomAD exomes below 0.00001.
gnomAD v4.1: 1 of 1,601,672 alleles (0.000062%); highest among the groups gnomAD compares: Middle Eastern, 0.017%; no homozygotes.

Submissions (2):

Labcorp Genetics (formerly Invitae), Labcorp
Classification: Uncertain significance. Last evaluated: 2025-11-03. Review status: criteria provided, single submitter. Criteria: Invitae Variant Classification Sherloc (09022015). Collection method: clinical testing. Allele origin: germline.
Comment: This sequence change replaces leucine, which is neutral and non-polar, with arginine, which is basic and polar, at codon 26 of the MBD4 protein (p.Leu26Arg). This variant is not present in population databases (gnomAD no frequency). This variant has not been reported in the literature in individuals affected with MBD4-related conditions. ClinVar contains an entry for this variant (Variation ID: 2806956). An algorithm developed to predict the effect of missense changes on protein structure and function outputs the following: PolyPhen-2: "Benign". The arginine amino acid residue is found in multiple mammalian species, which suggests that this missense change does not adversely affect protein function. In summary, the available evidence is currently insufficient to determine the role of this variant in disease. Therefore, it has been classified as a Variant of Uncertain Significance.

Ambry Genetics
Classification: Uncertain significance for Inborn genetic diseases. Last evaluated: 2025-08-02. Review status: criteria provided, single submitter. Criteria: Ambry Variant Classification Scheme 2023. Collection method: clinical testing. Allele origin: germline.
Comment: The p.L26R variant (also known as c.77T>G), located in coding exon 1 of the MBD4 gene, results from a T to G substitution at nucleotide position 77. The leucine at codon 26 is replaced by arginine, an amino acid with dissimilar properties. This amino acid position is conserved. In addition, this alteration is predicted to be tolerated by in silico analysis. Based on the available evidence, the clinical significance of this variant remains unclear.

NM_001276270.2(MBD4):c.77T>G (p.Leu26Arg)

Gene: MBD4 (methyl-CpG binding domain 4, DNA glycosylase; minus strand). Cytogenetic location: 3q21.3.
Variant type: single nucleotide variant.
Coding change: c.77T>G on transcript NM_001276270.2 (MANE Select); coding-DNA position 77, T replaced by G.
Protein change: p.Leu26Arg; replaces leucine 26 with arginine.
Molecular consequence: missense variant.
Genome position (GRCh38, 1-based): chr3:129,439,757, A>C on the plus strand (T>G on the coding strand, the complement: MBD4 is on the minus strand). VCF-style: chr3-129439757-A-C. GRCh37 (hg19) VCF-style: chr3-129158600-A-C.
Other names: c.77T>G, p.Leu26Arg (NM_001276271.2, NM_001276272.2, NM_001276273.2 and 1 more transcripts); short protein forms L26R.
Identifiers: ClinVar variation 2806956 (VCV002806956.4), dbSNP rs2530758051, ClinGen allele CA354468856.
Genomic context (GRCh38, chr3:129,439,757, plus strand): 5'-GAAACTGAGGCCCAAAAGGGGACAGTAACTTACCGGAGGTCATTCGGCGGGTCTGGGACT[A>C]GGCGCTCACTAGAGGTGACGGTGGGGGCAGCTCCGCGGTCCCCCAGACTCAGACTCTCCA-3'
Protein context (NP_001263199.1, residues 16-36): AAPTVTSSER[Leu26Arg]VPDPPNDLRK